The following is an entry in ClinVar:

ClinVar aggregate classification (germline): Likely pathogenic (1 of 4 stars; one submission).

Conditions:
Glanzmann thrombasthenia 1 (GT1). Also called: BLEEDING DISORDER, PLATELET-TYPE, 2; GP IIb-IIIa COMPLEX DEFICIENCY; GLYCOPROTEIN COMPLEX IIb-IIIa DEFICIENCY; PLATELET FIBRINOGEN RECEPTOR DEFICIENCY. Identifiers: MedGen CN300358, MONDO:0031332, OMIM 273800.

Submission:

Dasa
Classification: Likely pathogenic for Glanzmann thrombasthenia 1. Last evaluated: 2025-09-01. Review status: criteria provided, single submitter. Criteria: DASA Assertion Criteria. Collection method: clinical testing. Allele origin: germline.
Comment: NM_000419.5(ITGA2B):c.1282_1294del (p.Glu428Hisfs*25) is a frameshift variant in ITGA2B predicted to alter the reading frame and introduce a premature termination codon and is predicted to result in an absent or altered protein product. Loss of function is an established disease mechanism for ITGA2B-associated disorders. Also, this variant is absent from population databases. Based on the currently available evidence, this variant is classified as likely pathogenic.

NM_000419.5(ITGA2B):c.1282_1294del (p.Glu428fs)

Gene: ITGA2B (integrin subunit alpha 2b; minus strand). Cytogenetic location: 17q21.31.
Variant type: Deletion.
Coding change: c.1282_1294del on transcript NM_000419.5 (MANE Select); coding-DNA positions 1282 to 1294, 13 bases deleted (GAGGGGCTGAGGT).
Protein change: p.Glu428fs; shifts the reading frame from glutamic acid 428.
Molecular consequence: frameshift variant.
Genome position (GRCh38, 1-based): chr17:44,380,978-44,380,990, ACCTCAGCCCCTC deleted on the plus strand (GAGGGGCTGAGGT on the coding strand, the reverse complement: ITGA2B is on the minus strand); deleting any 13 consecutive bases within chr17:44,380,978-44,380,992 gives the same sequence; the c. name uses the placement nearest the transcript's 3' end. VCF-style (leftmost placement, unchanged base first): chr17-44380977-GACCTCAGCCCCTC-G. GRCh37 (hg19) VCF-style: chr17-42458345-GACCTCAGCCCCTC-G.
Other names: short protein forms E428fs.
Identifiers: ClinVar variation 4880799 (VCV004880799.2).